The following is an entry in ClinVar:

ClinVar aggregate classification (germline): Pathogenic (1 of 4 stars; one submission).

Submission:

Labcorp Genetics (formerly Invitae), Labcorp
Classification: Pathogenic. Last evaluated: 2023-12-22. Review status: criteria provided, single submitter. Criteria: Invitae Variant Classification Sherloc (09022015). Collection method: clinical testing. Allele origin: germline.
Comment: This sequence change creates a premature translational stop signal (p.Tyr61Alafs*74) in the CYP11B2 gene. It is expected to result in an absent or disrupted protein product. Loss-of-function variants in CYP11B2 are known to be pathogenic (PMID: 20494601, 22801770, 26936515). This variant is not present in population databases (gnomAD no frequency). This variant has not been reported in the literature in individuals affected with CYP11B2-related conditions. For these reasons, this variant has been classified as Pathogenic.

Literature cited by the submitters: PubMed 20494601; PubMed 22801770; PubMed 26936515.

NM_000498.3(CYP11B2):c.180_184del (p.Tyr61fs)

Genes: CYP11B2 (cytochrome P450 family 11 subfamily B member 2; minus strand), LOC106799834 (CYP11B2 recombination region; plus strand). Cytogenetic location: 8q24.3.
Variant type: Deletion.
Coding change: c.180_184del on transcript NM_000498.3 (MANE Select); coding-DNA positions 180 to 184, 5 bases deleted (TTATG; older notation c.180_184delTTATG).
Protein change: p.Tyr61fs; shifts the reading frame from tyrosine 61.
Molecular consequence: frameshift variant.
Genome position (GRCh38, 1-based): chr8:142,917,657-142,917,661, CATAA deleted on the plus strand (TTATG on the coding strand, the reverse complement: CYP11B2 is on the minus strand); deleting any 5 consecutive bases within chr8:142,917,657-142,917,662 gives the same sequence; the c. name uses the placement nearest the transcript's 3' end. VCF-style (leftmost placement, unchanged base first): chr8-142917656-TCATAA-T. GRCh37 (hg19) VCF-style: chr8-143999072-TCATAA-T.
Other names: short protein forms Y61fs.
Identifiers: ClinVar variation 2704824 (VCV002704824.3), dbSNP rs2488703183, ClinGen allele CA2697550182.
Genomic context (GRCh38, chr8:142,917,656, plus strand): 5'-CTTTACCTGAAAATGGGCCCCAGCTCCTGGAAGGTCTGGTGCATCTCCAGGTGCAGGTGC[TCATAA>T]CCCTGCTCCCTCCAGATCTGCAGCAGCCTCAGCCACCTGTTGCCTGGATGCTGGGGCATG-3'